The following is an entry in ClinVar:

ClinVar aggregate classification (germline): Pathogenic/Likely pathogenic. Review status: criteria provided, multiple submitters, no conflicts (2 of 4 stars). 5 submissions from 5 submitters: Pathogenic (1); Likely pathogenic (2). 2 of the submissions do not count toward it. Last evaluated 2025-08-27.

Conditions:
Citrullinemia type I (CTNL1). Also called: argininosuccinate synthetase deficiency; ASS DEFICIENCY. Identifiers: Orphanet 247525, MedGen C4721769, MONDO:0008988, OMIM 215700.
Citrullinemia. Identifiers: Orphanet 187, MedGen C0175683, MONDO:0015991.

Allele frequency attached by ClinVar (database versions not stated): gnomAD 0.00001; TOPMed 0.00001; ExAC 0.00002; gnomAD exomes 0.00002.
gnomAD v4.1: 11 of 1,561,222 alleles (0.0007%); highest among the groups gnomAD compares: African/African-American, 0.0041%; no homozygotes.

Submissions (5):

First Genomix Gene Laboratory, Genetic Diagnostics Department
Classification: Likely pathogenic for Citrullinemia type I. Last evaluated: 2025-08-27. Review status: criteria provided, single submitter. Criteria: ACMG Guidelines, 2015. Collection method: clinical testing. Allele origin: germline. Inheritance: Autosomal recessive inheritance. Affected: no. Observed: 1 variant allele.

Natera, Inc.
Classification: Likely pathogenic for Citrullinemia type I. Last evaluated: 2024-05-07. Review status: criteria provided, single submitter. Criteria: Natera Variant Classification Schema (03/2026). Collection method: clinical testing. Allele origin: germline.
Comment: The c.773+49C>T variant in ASS1 is an intronic variant located outside the canonical splice sites. This variant is rare in the general population with a frequency below the threshold expected for the associated phenotype(s). This variant has been observed in one or more individuals affected with the associated recessive disease, as either homozygous or compound heterozygous with a second variant (PMID: 28132756). Given the available evidence, this variant is classified as Likely Pathogenic.

Labcorp Genetics (formerly Invitae), Labcorp
Classification: Pathogenic for Citrullinemia. Last evaluated: 2023-12-12. Review status: criteria provided, single submitter. Criteria: Invitae Variant Classification Sherloc (09022015). Collection method: clinical testing. Allele origin: germline.
Comment: This sequence change falls in intron 11 of the ASS1 gene. It does not directly change the encoded amino acid sequence of the ASS1 protein. This variant is present in population databases (rs763389916, gnomAD 0.02%). This variant has been observed in individuals with citrullinemia (PMID: 14680976, 28132756). ClinVar contains an entry for this variant (Variation ID: 265958). Algorithms developed to predict the effect of sequence changes on RNA splicing suggest that this variant may disrupt the consensus splice site. For these reasons, this variant has been classified as Pathogenic.

Counsyl
Classification: Likely pathogenic for Citrullinemia type I. Last evaluated: 2017-05-02. Review status: no assertion criteria provided. Collection method: clinical testing. Allele origin: unknown. Not counted in ClinVar's aggregate classification.

GeneReviews
No classification provided. Condition: Citrullinemia type I. Review status: no classification provided. Collection method: literature only. Allele origin: germline. Affected: yes. Not counted in ClinVar's aggregate classification.

Literature cited by the submitters: PubMed 28132756 (cited by Natera, Inc. and Labcorp Genetics (formerly Invitae), Labcorp); PubMed 14680976 (cited by Labcorp Genetics (formerly Invitae), Labcorp and Counsyl); PubMed 20005624 (cited by Counsyl); PubMed 28111830 (cited by Counsyl); NCBI Bookshelf NBK1458 (cited by GeneReviews).

NM_054012.4(ASS1):c.773+49C>T

Gene: ASS1 (argininosuccinate synthase 1; plus strand). Cytogenetic location: 9q34.11.
Variant type: single nucleotide variant.
Coding change: c.773+49C>T on transcript NM_054012.4 (MANE Select); 49 bases into the intron after coding-DNA position 773, C replaced by T.
Molecular consequence: intron variant.
Genome position (GRCh38, 1-based): chr9:130,479,849, C>T. VCF-style: chr9-130479849-C-T. GRCh37 (hg19) VCF-style: chr9-133355236-C-T.
Other names: c.773+49C>T (NM_000050.4).
Identifiers: ClinVar variation 265958 (VCV000265958.12), dbSNP rs763389916, ClinGen allele CA5283474.
Genomic context (GRCh38, chr9:130,479,849, plus strand): 5'-GAACGAAGTCGCGTGAGTGTCTGCAGCCCTGTCCGGCCTCTTGGGAACCGCCGTCTCGGG[C>T]GAGCACGAGCCTGGACCGTTGCAGCTAATGGTTGTGGCTGAGGCTCAGGGGTGCGGAGCA-3'